The following is an entry in ClinVar:

ClinVar aggregate classification (germline): Likely benign (1 of 4 stars; one submission).

gnomAD v4.1: 138 of 1,575,312 alleles (0.0088%); highest among the groups gnomAD compares: South Asian, 0.15%; 3 homozygotes.

Submission:

CeGaT Center for Human Genetics Tuebingen
Classification: Likely benign. Last evaluated: 2025-04-01. Review status: criteria provided, single submitter. Criteria: CeGaT Center For Human Genetics Tuebingen Variant Classification Criteria Version 2. Collection method: clinical testing. Allele origin: germline. Affected: yes. Observed: 1 variant allele.
Comment: FOXJ1: BP4, BP7

NM_001454.4(FOXJ1):c.261G>A (p.Thr87=)

Genes: FOXJ1 (forkhead box J1; minus strand), LOC130061707 (ATAC-STARR-seq lymphoblastoid silent region 9003; plus strand). Cytogenetic location: 17q25.1.
Variant type: single nucleotide variant.
Coding change: c.261G>A on transcript NM_001454.4 (MANE Select); coding-DNA position 261, G replaced by A.
Protein change: p.Thr87=; no amino-acid change (threonine 87 retained).
Molecular consequence: synonymous variant.
Genome position (GRCh38, 1-based): chr17:76,140,135, C>T on the plus strand (G>A on the coding strand, the complement: FOXJ1 is on the minus strand). VCF-style: chr17-76140135-C-T. GRCh37 (hg19) VCF-style: chr17-74136216-C-T.
Identifiers: ClinVar variation 3777921 (VCV003777921.7).